The following is an entry in ClinVar:

NM_152383.5(DIS3L2):c.1258G>A (p.Gly420Arg)

Gene: DIS3L2 (DIS3 like 3'-5' exoribonuclease 2; plus strand). Cytogenetic location: 2q37.1.
Variant type: single nucleotide variant.
Coding change: c.1258G>A on transcript NM_152383.5 (MANE Select); coding-DNA position 1258, G replaced by A.
Protein change: p.Gly420Arg; replaces glycine 420 with arginine.
Molecular consequence: missense variant. On other transcripts: non-coding transcript variant (2).
Genome position (GRCh38, 1-based): chr2:232,238,586, G>A. VCF-style: chr2-232238586-G-A. GRCh37 (hg19) VCF-style: chr2-233103296-G-A.
Other names: c.1258G>A, p.Gly420Arg (NM_001257281.2); short protein forms G420R.
Identifiers: ClinVar variation 531948 (VCV000531948.9), dbSNP rs752118757, ClinGen allele CA2164095.

ClinVar aggregate classification (germline): Uncertain significance (1 of 4 stars; one submission).

Conditions:
Perlman syndrome (PRLMNS). Identifiers: Orphanet 2849, MedGen C0796113, MONDO:0009965, OMIM 267000.

Allele frequency attached by ClinVar (database versions not stated): gnomAD exomes below 0.00001; ExAC 0.00001; TOPMed 0.00001.
gnomAD v4.1: 2 of 1,614,206 alleles (0.00012%); highest among the groups gnomAD compares: South Asian, 0.0011%; no homozygotes.

Submission:

Labcorp Genetics (formerly Invitae), Labcorp
Classification: Uncertain significance for Perlman syndrome. Last evaluated: 2025-07-16. Review status: criteria provided, single submitter. Criteria: Invitae Variant Classification Sherloc (09022015). Collection method: clinical testing. Allele origin: germline.
Comment: This sequence change replaces glycine, which is neutral and non-polar, with arginine, which is basic and polar, at codon 420 of the DIS3L2 protein (p.Gly420Arg). This variant is present in population databases (rs752118757, gnomAD 0.0009%). This variant has not been reported in the literature in individuals affected with DIS3L2-related conditions. ClinVar contains an entry for this variant (Variation ID: 531948). Invitae Evidence Modeling of protein sequence and biophysical properties (such as structural, functional, and spatial information, amino acid conservation, physicochemical variation, residue mobility, and thermodynamic stability) indicates that this missense variant is not expected to disrupt DIS3L2 protein function with a negative predictive value of 80%. In summary, the available evidence is currently insufficient to determine the role of this variant in disease. Therefore, it has been classified as a Variant of Uncertain Significance.